The following is an entry in ClinVar:

ClinVar aggregate classification (germline): Likely benign (1 of 4 stars; one submission).

Submission:

CeGaT Center for Human Genetics Tuebingen
Classification: Likely benign. Last evaluated: 2026-03-01. Review status: criteria provided, single submitter. Criteria: CeGaT Center For Human Genetics Tuebingen Variant Classification Criteria Version 2. Collection method: clinical testing. Allele origin: germline. Affected: yes. Observed: 2 variant alleles.
Comment: SHANK2: PM2:Supporting, BP4, BP7

NM_012309.5(SHANK2):c.1581C>G (p.Pro527=)

Gene: SHANK2 (SH3 and multiple ankyrin repeat domains 2; minus strand). Cytogenetic location: 11q13.4.
Variant type: single nucleotide variant.
Coding change: c.1581C>G on transcript NM_012309.5 (MANE Select); coding-DNA position 1581, C replaced by G.
Protein change: p.Pro527=; no amino-acid change (proline 527 retained).
Molecular consequence: synonymous variant.
Genome position (GRCh38, 1-based): chr11:70,807,084, G>C on the plus strand (C>G on the coding strand, the complement: SHANK2 is on the minus strand). VCF-style: chr11-70807084-G-C. GRCh37 (hg19) VCF-style: chr11-70653189-G-C.
Other names: c.444C>G, p.Pro148= (NM_001379226.1).
Identifiers: ClinVar variation 3778331 (VCV003778331.7).
Genomic context (GRCh38, chr11:70,807,084, plus strand): 5'-AAGGGGGATCTCGCCGTCCACTTGGGGTTGGTATGGCTTGACAGCGACGAAGAGCCTCCC[G>C]GGCACGGCACTGTAGAGCTTCCGCTTGGGCCCCGGGTACTCGAAGGCCGAGAGTGAGTCC-3'
Protein context (NP_036441.2, residues 517-537): GPKRKLYSAV[Pro527=]GRLFVAVKPY